The following is an entry in ClinVar:

ClinVar aggregate classification (germline): Benign (1 of 4 stars; one submission).

Conditions:
Lung cancer. Also called: Lung cancer, somatic; Malignant tumor of lung. Identifiers: MedGen C0242379, MONDO:0008903, OMIM 211980.

Submission:

Myriad Genetics, Inc.
Classification: Benign for Lung cancer. Last evaluated: 2024-10-16. Review status: criteria provided, single submitter. Criteria: Myriad Autosomal Dominant, Autosomal Recessive and X-Linked Classification Criteria (2023). Collection method: clinical testing. Allele origin: unknown.
Comment: This variant is considered benign. This variant is a silent/synonymous amino acid change and it is not expected to impact splicing.

NM_005228.5(EGFR):c.2109C>T (p.Leu703=)

Gene: EGFR (epidermal growth factor receptor; plus strand). Cytogenetic location: 7p11.2.
Variant type: single nucleotide variant.
Coding change: c.2109C>T on transcript NM_005228.5 (MANE Select); coding-DNA position 2109, C replaced by T.
Protein change: p.Leu703=; no amino-acid change (leucine 703 retained).
Molecular consequence: synonymous variant.
Genome position (GRCh38, 1-based): chr7:55,173,968, C>T. VCF-style: chr7-55173968-C-T. GRCh37 (hg19) VCF-style: chr7-55241661-C-T.
Other names: c.1974C>T, p.Leu658= (NM_001346897.2, NM_001346899.2); c.2109C>T, p.Leu703= (NM_001346898.2); c.1950C>T, p.Leu650= (NM_001346900.2); c.1308C>T, p.Leu436= (NM_001346941.2).
Identifiers: ClinVar variation 3773432 (VCV003773432.1).